The following is an entry in ClinVar:

ClinVar aggregate classification (germline): Uncertain significance (1 of 4 stars; one submission).

Conditions:
Hereditary cancer-predisposing syndrome. Also called: Neoplastic Syndromes, Hereditary; Tumor predisposition; Hereditary Cancer Syndrome; Hereditary neoplastic syndrome. Identifiers: Orphanet 140162, MedGen C0027672, MeSH D009386, MONDO:0015356.

gnomAD v4.1: 1 of 1,613,988 alleles (0.000062%); highest among the groups gnomAD compares: Non-Finnish European, 0.000085%; no homozygotes.

Submission:

Ambry Genetics
Classification: Uncertain significance for Hereditary cancer-predisposing syndrome. Last evaluated: 2024-11-25. Review status: criteria provided, single submitter. Criteria: Ambry Variant Classification Scheme 2023. Collection method: clinical testing. Allele origin: germline.
Comment: The p.A265V variant (also known as c.794C>T), located in coding exon 5 of the NTHL1 gene, results from a C to T substitution at nucleotide position 794. The alanine at codon 265 is replaced by valine, an amino acid with similar properties. This amino acid position is conserved. In addition, the in silico prediction for this alteration is inconclusive. Based on the available evidence, the clinical significance of this variant remains unclear.

NM_002528.7(NTHL1):c.770C>T (p.Ala257Val)

Gene: NTHL1 (nth like DNA glycosylase 1; minus strand). Cytogenetic location: 16p13.3.
Variant type: single nucleotide variant.
Coding change: c.770C>T on transcript NM_002528.7 (MANE Select); coding-DNA position 770, C replaced by T.
Protein change: p.Ala257Val; replaces alanine 257 with valine.
Molecular consequence: missense variant.
Genome position (GRCh38, 1-based): chr16:2,040,154, G>A on the plus strand (C>T on the coding strand, the complement: NTHL1 is on the minus strand). VCF-style: chr16-2040154-G-A. GRCh37 (hg19) VCF-style: chr16-2090155-G-A.
Other names: c.599C>T, p.Ala200Val (NM_001318193.2); c.440C>T, p.Ala147Val (NM_001318194.2); short protein forms A257V, A147V, A200V.
Identifiers: ClinVar variation 3408228 (VCV003408228.1).
Genomic context (GRCh38, chr16:2,040,154, plus strand): 5'-TGAGCTCTTCTCCCTAGGAAGCCCCCCACATACTCATACCTAGGCAGCCACTCCTCCAGG[G>A]CGGCGCGGGTCTCCTCTGGGGACTTGGTTGCCTTCTTGGTCCACCTCAGCCTGTTGGCGA-3'
Protein context (NP_002519.2, residues 247-267): ATKSPEETRA[Ala257Val]LEEWLPRELW